The following is an entry in ClinVar:

NM_002734.5(PRKAR1A):c.1055G>A (p.Arg352Gln)

Gene: PRKAR1A (protein kinase cAMP-dependent type I regulatory subunit alpha; plus strand). Cytogenetic location: 17q24.2.
Variant type: single nucleotide variant.
Coding change: c.1055G>A on transcript NM_002734.5 (MANE Select); coding-DNA position 1055, G replaced by A.
Protein change: p.Arg352Gln; replaces arginine 352 with glutamine.
Molecular consequence: missense variant. On other transcripts: intron variant (1).
Genome position (GRCh38, 1-based): chr17:68,530,358, G>A. VCF-style: chr17-68530358-G-A. GRCh37 (hg19) VCF-style: chr17-66526499-G-A.
Other names: c.1055G>A, p.Arg352Gln (NM_001276289.2, NM_001278433.2, NM_001369389.1 and 3 more transcripts); c.973+357G>A (NM_001276290.1); c.1055G>A (NM_002734.3); short protein forms R352Q.
Identifiers: ClinVar variation 2755537 (VCV002755537.4), dbSNP rs2085939789, ClinGen allele CA400754690.

ClinVar aggregate classification (germline): Uncertain significance. Review status: criteria provided, multiple submitters, no conflicts (2 of 4 stars). 2 submissions from 2 submitters: Uncertain significance (2). Last evaluated 2025-09-25.

Conditions:
Hereditary cancer-predisposing syndrome. Also called: Neoplastic Syndromes, Hereditary; Hereditary Cancer Syndrome; Tumor predisposition; Hereditary neoplastic syndrome. Identifiers: Orphanet 140162, MedGen C0027672, MeSH D009386, MONDO:0015356.
Carney complex, type 1 (CNC1). Also called: CARNEY MYXOMA-ENDOCRINE COMPLEX; CARNEY COMPLEX, TYPE I. Identifiers: Orphanet 1359, MedGen C2607929, MONDO:0008057, OMIM 160980.

Allele frequency attached by ClinVar (database versions not stated): gnomAD exomes below 0.00001; TOPMed below 0.00001.
gnomAD v4.1: 1 of 1,614,102 alleles (0.000062%); highest among the groups gnomAD compares: Non-Finnish European, 0.000085%; no homozygotes.

Submissions (2):

Ambry Genetics
Classification: Uncertain significance for Hereditary cancer-predisposing syndrome. Last evaluated: 2025-09-25. Review status: criteria provided, single submitter. Criteria: Ambry Variant Classification Scheme 2023. Collection method: clinical testing. Allele origin: germline.
Comment: The p.R352Q variant (also known as c.1055G>A), located in coding exon 10 of the PRKAR1A gene, results from a G to A substitution at nucleotide position 1055. The arginine at codon 352 is replaced by glutamine, an amino acid with highly similar properties. This amino acid position is highly conserved in available vertebrate species. In addition, this alteration is predicted to be deleterious by in silico analysis. Based on the available evidence, the clinical significance of this variant remains unclear.

Labcorp Genetics (formerly Invitae), Labcorp
Classification: Uncertain significance for Carney complex, type 1. Last evaluated: 2023-06-14. Review status: criteria provided, single submitter. Criteria: Invitae Variant Classification Sherloc (09022015). Collection method: clinical testing. Allele origin: germline.
Comment: This variant has not been reported in the literature in individuals affected with PRKAR1A-related conditions. This sequence change replaces arginine, which is basic and polar, with glutamine, which is neutral and polar, at codon 352 of the PRKAR1A protein (p.Arg352Gln). This variant is not present in population databases (gnomAD no frequency). Advanced modeling of protein sequence and biophysical properties (such as structural, functional, and spatial information, amino acid conservation, physicochemical variation, residue mobility, and thermodynamic stability) performed at Invitae indicates that this missense variant is expected to disrupt PRKAR1A protein function. In summary, the available evidence is currently insufficient to determine the role of this variant in disease. Therefore, it has been classified as a Variant of Uncertain Significance.